The following is an entry in ClinVar:

ClinVar aggregate classification (germline): Uncertain significance (1 of 4 stars; one submission).

Conditions:
Familial cancer of breast. Also called: BREAST CANCER, FAMILIAL; Hereditary breast cancer; hereditary breast carcinoma. Identifiers: Orphanet 227535, MedGen C0346153, MONDO:0016419, OMIM 114480. Disease mechanism: loss of function.
Fanconi anemia complementation group J. Also called: BRIP1-Related Fanconi Anemia. Identifiers: Orphanet 84, MedGen C1836860, MONDO:0012187, OMIM 609054.

Submission:

Labcorp Genetics (formerly Invitae), Labcorp
Classification: Uncertain significance for Familial cancer of breast; Fanconi anemia complementation group J. Last evaluated: 2022-06-14. Review status: criteria provided, single submitter. Criteria: Invitae Variant Classification Sherloc (09022015). Collection method: clinical testing. Allele origin: germline.
Comment: This sequence change replaces serine, which is neutral and polar, with threonine, which is neutral and polar, at codon 1115 of the BRIP1 protein (p.Ser1115Thr). In summary, the available evidence is currently insufficient to determine the role of this variant in disease. Therefore, it has been classified as a Variant of Uncertain Significance. Algorithms developed to predict the effect of missense changes on protein structure and function are either unavailable or do not agree on the potential impact of this missense change (SIFT: "Tolerated"; PolyPhen-2: "Possibly Damaging"; Align-GVGD: "Class C0"). This variant has not been reported in the literature in individuals affected with BRIP1-related conditions. This variant is not present in population databases (gnomAD no frequency).

NM_032043.3(BRIP1):c.3343T>A (p.Ser1115Thr)

Gene: BRIP1 (BRCA1 interacting DNA helicase 1; minus strand). Cytogenetic location: 17q23.2.
Variant type: single nucleotide variant.
Coding change: c.3343T>A on transcript NM_032043.3 (MANE Select); coding-DNA position 3343, T replaced by A.
Protein change: p.Ser1115Thr; replaces serine 1115 with threonine.
Molecular consequence: missense variant.
Genome position (GRCh38, 1-based): chr17:61,683,703, A>T on the plus strand (T>A on the coding strand, the complement: BRIP1 is on the minus strand). VCF-style: chr17-61683703-A-T. GRCh37 (hg19) VCF-style: chr17-59761064-A-T.
Other names: short protein forms S1115T.
Identifiers: ClinVar variation 2006033 (VCV002006033.4), dbSNP rs1567728281, ClinGen allele CA400478937.
Genomic context (GRCh38, chr17:61,683,703, plus strand): 5'-CAGGTGTAAAATAGATAGATTCATCTTCTGCTTCTGTTTCAAAATCTCTATTTGAAGTGG[A>T]CTGTTTATCTTCTTCACTTACTAGAGACAATTCAATGTCTGGATCCAGGGCTTCTTCAGA-3'
Protein context (NP_114432.2, residues 1105-1125): LSLVSEEDKQ[Ser1115Thr]TSNRDFETEA